The following is an entry in ClinVar:

NM_001288739.2(DNM1):c.1286A>G (p.Asp429Gly)

Gene: DNM1 (dynamin 1; plus strand). Cytogenetic location: 9q34.11.
Variant type: single nucleotide variant.
Coding change: c.1286A>G on transcript NM_001288739.2 (MANE Plus Clinical); coding-DNA position 1286, A replaced by G.
Protein change: p.Asp429Gly; replaces aspartic acid 429 with glycine.
Molecular consequence: missense variant. On other transcripts: intron variant (3).
Genome position (GRCh38, 1-based): chr9:128,226,124, A>G. VCF-style: chr9-128226124-A-G. GRCh37 (hg19) VCF-style: chr9-130988403-A-G.
Other names: c.1286A>G, p.Asp429Gly (NM_001288737.2, NM_001288738.2); c.1335+1735A>G (NM_001005336.3, NM_001374269.1, NM_004408.4); short protein forms D429G.
Identifiers: ClinVar variation 3066193 (VCV003066193.3), dbSNP rs376066709, ClinGen allele CA200351806.

ClinVar aggregate classification (germline): Uncertain significance. Review status: criteria provided, multiple submitters, no conflicts (2 of 4 stars). 3 submissions from 3 submitters: Uncertain significance (3). Last evaluated 2025-10-01.

Conditions:
Developmental and epileptic encephalopathy, 31A. Also called: Developmental and epileptic encephalopathy, 31; Epileptic encephalopathy, early infantile, 31. Identifiers: Orphanet 2382, MedGen C4225357, MONDO:0014598, OMIM 616346.

Allele frequency attached by ClinVar (database versions not stated): TOPMed 0.00001.
gnomAD v4.1: 13 of 1,612,860 alleles (0.00081%); highest among the groups gnomAD compares: East Asian, 0.0045%; no homozygotes.

Submissions (3):

GeneDx
Classification: Uncertain significance. Last evaluated: 2025-10-01. Review status: criteria provided, single submitter. Criteria: GeneDx Variant Classification Process June 2021. Collection method: clinical testing. Allele origin: germline. Affected: yes.
Comment: Not observed at significant frequency in large population cohorts (gnomAD); In silico analysis supports that this missense variant has a deleterious effect on protein structure/function; Has not been previously published as pathogenic or benign to our knowledge; Reported using an alternate transcript of the gene

Revvity Omics, Revvity
Classification: Uncertain significance. Last evaluated: 2023-08-23. Review status: criteria provided, single submitter. Criteria: ACMG Guidelines, 2015. Collection method: clinical testing. Allele origin: germline.

MVZ Medizinische Genetik Mainz
Classification: Uncertain significance for Developmental and epileptic encephalopathy, 31A. Last evaluated: 2022-11-25. Review status: criteria provided, single submitter. Criteria: UK Practice Guidelines For Variant Classification V4 01 2020. Collection method: clinical testing. Allele origin: germline. Inheritance: Autosomal dominant inheritance. Affected: yes. Observed: 1 variant allele.
Comment: ACMG Criteria: PM2_SUP, PP2, PP3, BS2_SUP (ACMG Version 4)